The following is an entry in ClinVar:

ClinVar aggregate classification (germline): Conflicting classifications of pathogenicity. Review status: criteria provided, conflicting classifications (1 of 4 stars). 3 submissions from 3 submitters: Pathogenic (2); Uncertain significance (1). Last evaluated 2025-06-30.

Conditions:
Arrhythmogenic right ventricular dysplasia 10. Also called: Arrhythmogenic right ventricular dysplasia/cardiomyopathy, type 10; Arrhythmogenic Right Ventricular Dysplasia/Cardiomyopathy10; ARRHYTHMOGENIC RIGHT VENTRICULAR DYSPLASIA, FAMILIAL, 10. Identifiers: MedGen C1857777, MONDO:0012434, OMIM 610193.
Cardiomyopathy (CMYO). Also called: Cardiomyopathies. Identifiers: Orphanet 167848, MedGen C0878544, MONDO:0004994, HP:0001638. Inheritance: Various modes of inheritance.
Cardiovascular phenotype. Identifiers: MedGen CN230736.

Allele frequency attached by ClinVar (database versions not stated): gnomAD exomes below 0.00001.

Submissions (3):

Color Diagnostics, LLC DBA Color Health
Classification: Uncertain significance for Cardiomyopathy. Last evaluated: 2025-06-30. Review status: criteria provided, single submitter. Criteria: ACMG Guidelines, 2015. Collection method: clinical testing. Allele origin: germline.
Comment: This variant deletes 6 nucleotides in exon 6 of the DSG2 gene, creating a premature translation stop signal. This variant is expected to result in an absent or non-functional protein product. This variant has been reported in an individual affected with heart failure and suspected of having biventricular arrhythmogenic cardiomyopathy (DOI: 10.26430/CHUNGARICA.2022.52.5.33). This variant was also reported in an individual affected with a syndromic intellectual disability, a congenital heart malformation, and an arrhythmia, and in a parent with mild intellectual disability and no apparent cardiovascular disease (PMID: 36360260). This variant has not been identified in the general population by the Genome Aggregation Database (gnomAD). Clinical relevance of loss-of-function DSG2 truncation variants in autosomal dominant cardiovascular disorders is not clearly established. The available evidence is insufficient to determine the role of this variant in disease conclusively. Therefore, this variant is classified as a Variant of Uncertain Significance.

Ambry Genetics
Classification: Pathogenic for Cardiovascular phenotype. Last evaluated: 2025-01-17. Review status: criteria provided, single submitter. Criteria: Ambry Variant Classification Scheme 2023. Collection method: clinical testing. Allele origin: germline.
Comment: The c.621_626delTCCTCC pathogenic mutation (also known as p.Y207*) is located in coding exon 6 of the DSG2 gene. This pathogenic mutation results from an in-frame TCCTCC deletion at nucleotide positions 621 to 626. This results in the creation of a stop codon at codon 207. This variant is considered to be rare based on population cohorts in the Genome Aggregation Database (gnomAD). This alteration is expected to result in loss of function by premature protein truncation or nonsense-mediated mRNA decay. As such, this alteration is interpreted as a disease-causing mutation.

Labcorp Genetics (formerly Invitae), Labcorp
Classification: Pathogenic for Arrhythmogenic right ventricular dysplasia 10. Last evaluated: 2024-04-01. Review status: criteria provided, single submitter. Criteria: Invitae Variant Classification Sherloc (09022015). Collection method: clinical testing. Allele origin: germline.
Comment: This sequence change creates a premature translational stop signal (p.Tyr207*) in the DSG2 gene. It is expected to result in an absent or disrupted protein product. Loss-of-function variants in DSG2 are known to be pathogenic (PMID: 17105751, 31386562). This variant is not present in population databases (gnomAD no frequency). This variant has not been reported in the literature in individuals affected with DSG2-related conditions. ClinVar contains an entry for this variant (Variation ID: 466348). For these reasons, this variant has been classified as Pathogenic.

Literature cited by the submitters: PubMed 36360260 (cited by Color Diagnostics, LLC DBA Color Health); PubMed 17105751 (cited by Labcorp Genetics (formerly Invitae), Labcorp); PubMed 31386562 (cited by Labcorp Genetics (formerly Invitae), Labcorp).

NM_001943.5(DSG2):c.621_626del (p.Tyr207_Pro209delinsTer)

Gene: DSG2 (desmoglein 2; plus strand). Cytogenetic location: 18q12.1.
Variant type: Deletion.
Coding change: c.621_626del on transcript NM_001943.5 (MANE Select); coding-DNA positions 621 to 626, 6 bases deleted (TCCTCC; older notation c.621_626delTCCTCC).
Protein change: p.Tyr207_Pro209delinsTer.
Molecular consequence: nonsense.
Genome position (GRCh38, 1-based): chr18:31,522,180-31,522,185, TCCTCC deleted. VCF-style (leftmost placement, unchanged base first): chr18-31522179-ATCCTCC-A. GRCh37 (hg19) VCF-style: chr18-29102142-ATCCTCC-A.
Other names: c.621_626del (LRG_397t1).
Identifiers: ClinVar variation 466348 (VCV000466348.17), dbSNP rs1555671331, ClinGen allele CA658658731.